The following is an entry in ClinVar:

NM_001376.5(DYNC1H1):c.3156G>T (p.Lys1052Asn)

Gene: DYNC1H1 (dynein cytoplasmic 1 heavy chain 1; plus strand). Cytogenetic location: 14q32.31.
Variant type: single nucleotide variant.
Coding change: c.3156G>T on transcript NM_001376.5 (MANE Select); coding-DNA position 3156, G replaced by T.
Protein change: p.Lys1052Asn; replaces lysine 1052 with asparagine.
Molecular consequence: missense variant.
Genome position (GRCh38, 1-based): chr14:101,994,324, G>T. VCF-style: chr14-101994324-G-T. GRCh37 (hg19) VCF-style: chr14-102460661-G-T.
Other names: short protein forms K1052N.
Identifiers: ClinVar variation 4529910 (VCV004529910.1).

ClinVar aggregate classification (germline): Uncertain significance (1 of 4 stars; one submission).

Submission:

GeneDx
Classification: Uncertain significance. Last evaluated: 2025-05-13. Review status: criteria provided, single submitter. Criteria: GeneDx Variant Classification Process June 2021. Collection method: clinical testing. Allele origin: germline. Affected: yes.
Comment: Not observed at significant frequency in large population cohorts (gnomAD); In silico analysis suggests that this missense variant does not alter protein structure/function; In silico analysis suggests this variant may impact gene splicing. In the absence of RNA/functional studies, the actual effect of this sequence change is unknown.; Has not been previously published as pathogenic or benign to our knowledge; This variant is associated with the following publications: (PMID: 25512093, 25609763, 26100331)